The following is an entry in ClinVar:

ClinVar aggregate classification (germline): Benign. Review status: criteria provided, multiple submitters, no conflicts (2 of 4 stars). 8 submissions from 7 submitters: Benign (8). Last evaluated 2026-02-03.

Conditions:
Developmental and epileptic encephalopathy, 1 (DEE1). Also called: X-linked infantile spasms; West's syndrome; Tonic spasms with clustering, arrest of psychomotor development and hypsarrhythmia on EEG; X-Linked Infantile Spasm Syndrome; OHTAHARA SYNDROME, X-LINKED; INFANTILE SPASM SYNDROME, X-LINKED 1. Identifiers: MedGen C3463992, MONDO:0010632, OMIM 308350. Disease mechanism: loss of function.
Autosomal recessive spinocerebellar ataxia 12. Also called: SPINOCEREBELLAR ATAXIA WITH MENTAL RETARDATION AND EPILEPSY. Identifiers: Orphanet 284282, MedGen C3280452, MONDO:0013687, OMIM 614322.
Developmental and epileptic encephalopathy, 28 (DEE28). Also called: Epileptic encephalopathy, early infantile, 28. Identifiers: Orphanet 442835, MedGen C4015519, MONDO:0014533, OMIM 616211.

Allele frequency attached by ClinVar (database versions not stated): gnomAD exomes 0.26215 and 0.28671; ExAC 0.28599; 1000 Genomes Project 0.29253; TOPMed 0.33368; gnomAD 0.33888 and 0.34450.
gnomAD v4.1: 454,580 of 1,559,636 alleles (29%); highest among the groups gnomAD compares: African/African-American, 37%; 37,684 homozygotes.

Submissions (8):

Labcorp Genetics (formerly Invitae), Labcorp
Classification: Benign for Developmental and epileptic encephalopathy, 1; Autosomal recessive spinocerebellar ataxia 12. Last evaluated: 2026-02-03. Review status: criteria provided, single submitter. Criteria: Invitae Variant Classification Sherloc (09022015). Collection method: clinical testing. Allele origin: germline.

Blueprint Genetics
Classification: Benign. Last evaluated: 2024-11-27. Review status: criteria provided, single submitter. Criteria: ACMG Guidelines, 2015. Collection method: clinical testing. Allele origin: germline.

Unidad de Genómica Garrahan, Hospital de Pediatría Garrahan
Classification: Benign. Last evaluated: 2024-07-15. Review status: criteria provided, single submitter. Criteria: ACMG Guidelines, 2015. Collection method: clinical testing. Allele origin: germline. Affected: no. Observed: 42 variant alleles.
Comment: This variant is classified as Benign based on local population frequency. This variant was detected in 45% of patients studied in a panel designed for Epileptic and Developmental Encephalopathy and Progressive Myoclonus Epilepsy. Number of patients: 42. Only high quality variants are reported.

Genome-Nilou Lab
Classification: Benign for Developmental and epileptic encephalopathy, 28. Last evaluated: 2021-12-05. Review status: criteria provided, single submitter. Criteria: ACMG Guidelines, 2015. Collection method: clinical testing. Allele origin: germline. Affected: no.

Genome-Nilou Lab
Classification: Benign for Autosomal recessive spinocerebellar ataxia 12. Last evaluated: 2021-12-05. Review status: criteria provided, single submitter. Criteria: ACMG Guidelines, 2015. Collection method: clinical testing. Allele origin: germline. Affected: no.

GeneDx
Classification: Benign. Last evaluated: 2016-01-06. Review status: criteria provided, single submitter. Criteria: GeneDx Variant Classification (06012015). Collection method: clinical testing. Allele origin: germline. Affected: yes.
Comment: This variant is considered likely benign or benign based on one or more of the following criteria: it is a conservative change, it occurs at a poorly conserved position in the protein, it is predicted to be benign by multiple in silico algorithms, and/or has population frequency not consistent with disease.

Breakthrough Genomics
Classification: Benign. Review status: criteria provided, single submitter. Criteria: ACMG Guidelines, 2015. Collection method: not provided. Allele origin: germline. Inheritance: Autosomal recessive inheritance. Affected: yes.

PreventionGenetics, part of Exact Sciences
Classification: Benign. Review status: criteria provided, single submitter. Criteria: ACMG Guidelines, 2015. Collection method: clinical testing. Allele origin: germline.

NM_016373.4(WWOX):c.108-12G>T

Gene: WWOX (WW domain containing oxidoreductase; plus strand). Cytogenetic location: 16q23.1.
Variant type: single nucleotide variant.
Coding change: c.108-12G>T on transcript NM_016373.4 (MANE Select); 12 bases into the intron before coding-DNA position 108, G replaced by T.
Molecular consequence: intron variant.
Genome position (GRCh38, 1-based): chr16:78,108,411, G>T. VCF-style: chr16-78108411-G-T. GRCh37 (hg19) VCF-style: chr16-78142308-G-T.
Other names: c.-167-1367G>T (NM_001291997.2); c.108-12G>T (NM_130791.5).
Identifiers: ClinVar variation 260737 (VCV000260737.15), dbSNP rs67493355, ClinGen allele CA8183014.
Genomic context (GRCh38, chr16:78,108,411, plus strand): 5'-TTTAATACAATTGATTACTTTTTAGAAGAGTTAATTTTTACTTATTACTGTGGATTTTTT[G>T]TTTTTTAACAGTCACACCGAGGAGAAGACTCAGTGGGAACATCCAAAAACTGGAAAAAGA-3'